The following is an entry in ClinVar:

ClinVar aggregate classification (germline): Uncertain significance (1 of 4 stars; one submission).

Conditions:
3-Methylglutaconic aciduria type 2 (BTHS). Also called: CARDIOSKELETAL MYOPATHY WITH NEUTROPENIA AND ABNORMAL MITOCHONDRIA; Barth syndrome. Identifiers: Orphanet 111, MedGen C0574083, MONDO:0010543, OMIM 302060.

Submission:

Labcorp Genetics (formerly Invitae), Labcorp
Classification: Uncertain significance for 3-Methylglutaconic aciduria type 2. Last evaluated: 2023-12-12. Review status: criteria provided, single submitter. Criteria: Invitae Variant Classification Sherloc (09022015). Collection method: clinical testing. Allele origin: unknown.
Comment: This variant results in a copy number gain of the genomic region encompassing exon(s) 1-5 of the TAZ gene. This region includes the initiator codon of the gene. This copy number gain extends beyond the assayed region for this gene and therefore may encompass additional genes. As the precise location of this event is unknown, it may be in tandem or it may be located elsewhere in the genome. This variant has not been reported in the literature in individuals affected with TAZ-related conditions. In summary, the available evidence is currently insufficient to determine the role of this variant in disease. Therefore, it has been classified as a Variant of Uncertain Significance.

NC_000023.10:g.(?_153640181)_(153642547_?)dup

Genes: TAFAZZIN (tafazzin, phospholipid-lysophospholipid transacylase; plus strand), DNASE1L1 (deoxyribonuclease 1 like 1; minus strand). Cytogenetic location: Xq28.
Variant type: Duplication.
Identifiers: ClinVar variation 3244019 (VCV003244019.1).